The following is an entry in ClinVar:

ClinVar aggregate classification (germline): Uncertain significance (1 of 4 stars; one submission).

Allele frequency attached by ClinVar (database versions not stated): TOPMed below 0.00001; gnomAD exomes 0.00001.
gnomAD v4.1: 9 of 1,614,106 alleles (0.00056%); highest among the groups gnomAD compares: Non-Finnish European, 0.00076%; no homozygotes.

Submission:

Labcorp Genetics (formerly Invitae), Labcorp
Classification: Uncertain significance. Last evaluated: 2023-04-30. Review status: criteria provided, single submitter. Criteria: Invitae Variant Classification Sherloc (09022015). Collection method: clinical testing. Allele origin: germline.
Comment: In summary, the available evidence is currently insufficient to determine the role of this variant in disease. Therefore, it has been classified as a Variant of Uncertain Significance. Advanced modeling of protein sequence and biophysical properties (such as structural, functional, and spatial information, amino acid conservation, physicochemical variation, residue mobility, and thermodynamic stability) performed at Invitae indicates that this missense variant is expected to disrupt COL9A2 protein function. This variant has not been reported in the literature in individuals affected with COL9A2-related conditions. This variant is not present in population databases (gnomAD no frequency). This sequence change replaces glycine, which is neutral and non-polar, with arginine, which is basic and polar, at codon 271 of the COL9A2 protein (p.Gly271Arg).

NM_001852.4(COL9A2):c.811G>A (p.Gly271Arg)

Gene: COL9A2 (collagen type IX alpha 2 chain; minus strand). Cytogenetic location: 1p34.2.
Variant type: single nucleotide variant.
Coding change: c.811G>A on transcript NM_001852.4 (MANE Select); coding-DNA position 811, G replaced by A.
Protein change: p.Gly271Arg; replaces glycine 271 with arginine.
Molecular consequence: missense variant.
Genome position (GRCh38, 1-based): chr1:40,309,973, C>T on the plus strand (G>A on the coding strand, the complement: COL9A2 is on the minus strand). VCF-style: chr1-40309973-C-T. GRCh37 (hg19) VCF-style: chr1-40775645-C-T.
Other names: short protein forms G271R.
Identifiers: ClinVar variation 2986880 (VCV002986880.3), dbSNP rs1358258501, ClinGen allele CA339853709.